The following is an entry in ClinVar:

ClinVar aggregate classification (germline): Uncertain significance (1 of 4 stars; one submission).

gnomAD v4.1: 7 of 1,614,238 alleles (0.00043%); highest among the groups gnomAD compares: Non-Finnish European, 0.00059%; no homozygotes.

Submission:

Labcorp Genetics (formerly Invitae), Labcorp
Classification: Uncertain significance. Last evaluated: 2024-07-23. Review status: criteria provided, single submitter. Criteria: Invitae Variant Classification Sherloc (09022015). Collection method: clinical testing. Allele origin: germline.
Comment: This sequence change replaces aspartic acid, which is acidic and polar, with asparagine, which is neutral and polar, at codon 402 of the NFE2L2 protein (p.Asp402Asn). This variant is present in population databases (rs749922065, gnomAD 0.0009%). This variant has not been reported in the literature in individuals affected with NFE2L2-related conditions. Advanced modeling of protein sequence and biophysical properties (such as structural, functional, and spatial information, amino acid conservation, physicochemical variation, residue mobility, and thermodynamic stability) performed at Invitae indicates that this missense variant is not expected to disrupt NFE2L2 protein function with a negative predictive value of 80%. In summary, the available evidence is currently insufficient to determine the role of this variant in disease. Therefore, it has been classified as a Variant of Uncertain Significance.

NM_006164.5(NFE2L2):c.1204G>A (p.Asp402Asn)

Gene: NFE2L2 (NFE2 like bZIP transcription factor 2; minus strand). Cytogenetic location: 2q31.2.
Variant type: single nucleotide variant.
Coding change: c.1204G>A on transcript NM_006164.5 (MANE Select); coding-DNA position 1204, G replaced by A.
Protein change: p.Asp402Asn; replaces aspartic acid 402 with asparagine.
Molecular consequence: missense variant.
Genome position (GRCh38, 1-based): chr2:177,231,399, C>T on the plus strand (G>A on the coding strand, the complement: NFE2L2 is on the minus strand). VCF-style: chr2-177231399-C-T. GRCh37 (hg19) VCF-style: chr2-178096127-C-T.
Other names: c.1156G>A, p.Asp386Asn (NM_001145412.3, NM_001313900.1, NM_001313901.1); c.1135G>A, p.Asp379Asn (NM_001145413.3); c.1114G>A, p.Asp372Asn (NM_001313902.2); c.985G>A, p.Asp329Asn (NM_001313903.2); c.904G>A, p.Asp302Asn (NM_001313904.1); short protein forms D372N, D402N, D329N, D386N, D302N, D379N.
Identifiers: ClinVar variation 3678458 (VCV003678458.2).